The following is an entry in ClinVar:

NM_138425.4(C12orf57):c.286_287del (p.Ala96fs)

Gene: C12orf57 (chromosome 12 open reading frame 57; plus strand). Cytogenetic location: 12p13.31.
Variant type: Deletion.
Coding change: c.286_287del on transcript NM_138425.4 (MANE Select); coding-DNA positions 286 to 287, 2 bases deleted (GC; older notation c.286_287delGC).
Protein change: p.Ala96fs; shifts the reading frame from alanine 96.
Molecular consequence: frameshift variant. On other transcripts: non-coding transcript variant (1).
Genome position (GRCh38, 1-based): chr12:6,945,827-6,945,828, GC deleted; deleting any 2 consecutive bases within chr12:6,945,826-6,945,828 gives the same sequence; the c. name uses the placement nearest the transcript's 3' end. VCF-style (leftmost placement, unchanged base first): chr12-6945825-TCG-T. GRCh37 (hg19) VCF-style: chr12-7054988-TCG-T.
Other names: c.286_287del, p.Ala96fs (NM_001301834.1); c.247_248del, p.Ala83fs (NM_001301836.2); c.199_200del, p.Ala67fs (NM_001301837.2); c.181_182del, p.Ala61fs (NM_001301838.2); short protein forms A61fs, A67fs, A83fs, A96fs.
Identifiers: ClinVar variation 3775418 (VCV003775418.1).

ClinVar aggregate classification (germline): Likely pathogenic (1 of 4 stars; one submission).

Conditions:
Temtamy syndrome (TEMTYS). Also called: MENTAL RETARDATION WITH OR WITHOUT CRANIOFACIAL DYSMORPHISM, OCULAR COLOBOMA, OR ABNORMAL CORPUS CALLOSUM. Identifiers: Orphanet 1777, MedGen C1857512, MONDO:0009033, OMIM 218340.

Submission:

3billion
Classification: Likely pathogenic for Temtamy syndrome. Last evaluated: 2023-06-01. Review status: criteria provided, single submitter. Criteria: ACMG Guidelines, 2015. Collection method: clinical testing. Allele origin: germline. Affected: yes.
Comment: The variant is not observed in the gnomAD v2.1.1 dataset. Predicted Consequence/Location: Frameshift: predicted to result in a loss or disruption of normal protein function through protein truncation. The predicted truncated protein may be shortened by more than 10%. Therefore, this variant is classified as Likely pathogenic according to the recommendation of ACMG/AMP guideline.